The following is an entry in ClinVar:

ClinVar aggregate classification (germline): Uncertain significance (1 of 4 stars; one submission).

Conditions:
Familial cold autoinflammatory syndrome 2 (FCAS2). Identifiers: Orphanet 247868, MedGen C2673198, MONDO:0012724, OMIM 611762.

gnomAD v4.1: 2 of 1,614,170 alleles (0.00012%); highest among the groups gnomAD compares: Non-Finnish European, 0.00017%; no homozygotes.

Submission:

Labcorp Genetics (formerly Invitae), Labcorp
Classification: Uncertain significance for Familial cold autoinflammatory syndrome 2. Last evaluated: 2024-08-21. Review status: criteria provided, single submitter. Criteria: Invitae Variant Classification Sherloc (09022015). Collection method: clinical testing. Allele origin: germline.
Comment: This sequence change replaces leucine, which is neutral and non-polar, with methionine, which is neutral and non-polar, at codon 1005 of the NLRP12 protein (p.Leu1005Met). This variant is not present in population databases (gnomAD no frequency). This variant has not been reported in the literature in individuals affected with NLRP12-related conditions. Experimental studies and prediction algorithms are not available or were not evaluated, and the functional significance of this variant is currently unknown. In summary, the available evidence is currently insufficient to determine the role of this variant in disease. Therefore, it has been classified as a Variant of Uncertain Significance.

NM_144687.4(NLRP12):c.3013C>A (p.Leu1005Met)

Gene: NLRP12 (NLR family pyrin domain containing 12; minus strand). Cytogenetic location: 19q13.42.
Variant type: single nucleotide variant.
Coding change: c.3013C>A on transcript NM_144687.4 (MANE Select); coding-DNA position 3013, C replaced by A.
Protein change: p.Leu1005Met; replaces leucine 1005 with methionine.
Molecular consequence: missense variant.
Genome position (GRCh38, 1-based): chr19:53,795,944, G>T on the plus strand (C>A on the coding strand, the complement: NLRP12 is on the minus strand). VCF-style: chr19-53795944-G-T. GRCh37 (hg19) VCF-style: chr19-54299198-G-T.
Other names: c.3016C>A, p.Leu1006Met (NM_001277126.2); c.2842C>A, p.Leu948Met (NM_001277129.1); short protein forms L1005M, L1006M, L948M.
Identifiers: ClinVar variation 3616146 (VCV003616146.2).
Genomic context (GRCh38, chr19:53,795,944, plus strand): 5'-GATGGCTCAGCCGCTTGCAAAGCAGTCGGACACCTGTGTCCCCTAGGGCGTTGTTGGTCA[G>T]GTAAAGGTCGGTCAAGGTCTGGTTGATCCCCAGGGTGAAGTAAAGATTCTCACAAGCCTT-3'
Protein context (NP_653288.1, residues 995-1015): GINQTLTDLY[Leu1005Met]TNNALGDTGV